The following is an entry in ClinVar:

ClinVar aggregate classification (germline): Uncertain significance. Review status: criteria provided, multiple submitters, no conflicts (2 of 4 stars). 2 submissions from 2 submitters: Uncertain significance (2). Last evaluated 2025-09-26.

Conditions:
Familial thoracic aortic aneurysm and aortic dissection (TAAD). Also called: Thoracic aortic aneurysms and dissections. Identifiers: Orphanet 91387, MedGen C4707243, MONDO:0019625.

Submissions (2):

Ambry Genetics
Classification: Uncertain significance for Familial thoracic aortic aneurysm and aortic dissection. Last evaluated: 2025-09-26. Review status: criteria provided, single submitter. Criteria: Ambry Variant Classification Scheme 2023. Collection method: clinical testing. Allele origin: germline.

Color Diagnostics, LLC DBA Color Health
Classification: Uncertain significance for Familial thoracic aortic aneurysm and aortic dissection. Last evaluated: 2023-12-05. Review status: criteria provided, single submitter. Criteria: ACMG Guidelines, 2015. Collection method: clinical testing. Allele origin: germline.
Comment: This missense variant replaces leucine with phenylalanine at codon 53 of the TGFBR1 protein. Computational prediction tools and conservation analyses are inconclusive regarding the impact of this variant on the protein function. Computational splicing tools suggest that this variant may not impact RNA splicing. To our knowledge, functional assays have not been performed for this variant nor has this variant been reported in individuals affected with cardiovascular disorders in the literature. This variant has not been identified in the general population by the Genome Aggregation Database (gnomAD). Available evidence is insufficient to determine the role of this variant in disease conclusively. Therefore, this variant is classified as a Variant of Uncertain Significance.

NM_004612.4(TGFBR1):c.157C>T (p.Leu53Phe)

Gene: TGFBR1 (transforming growth factor beta receptor 1; plus strand). Cytogenetic location: 9q22.33.
Variant type: single nucleotide variant.
Coding change: c.157C>T on transcript NM_004612.4 (MANE Select); coding-DNA position 157, C replaced by T.
Protein change: p.Leu53Phe; replaces leucine 53 with phenylalanine.
Molecular consequence: missense variant.
Genome position (GRCh38, 1-based): chr9:99,128,914, C>T. VCF-style: chr9-99128914-C-T. GRCh37 (hg19) VCF-style: chr9-101891196-C-T.
Other names: c.157C>T, p.Leu53Phe (NM_001130916.3, NM_001306210.2); c.157C>T (NM_004612.2); short protein forms L53F.
Identifiers: ClinVar variation 920219 (VCV000920219.6), dbSNP rs1827123254, ClinGen allele CA374225268.